The following is an entry in ClinVar:

ClinVar aggregate classification (germline): Uncertain significance (1 of 4 stars; one submission).

Conditions:
CCDC88C-related disorder. Also called: CCDC88C-related condition; CCDC88C-Related Disorders.

Submission:

PreventionGenetics, part of Exact Sciences
Classification: Uncertain significance for CCDC88C-related condition. Last evaluated: 2023-06-09. Review status: criteria provided, single submitter. Criteria: ACMG Guidelines, 2015. Collection method: clinical testing. Allele origin: germline.
Comment: The CCDC88C c.767T>C variant is predicted to result in the amino acid substitution p.Leu256Pro. To our knowledge, this variant has not been reported in the literature or in a large population database, indicating this variant is rare. At this time, the clinical significance of this variant is uncertain due to the absence of conclusive functional and genetic evidence.

NM_001080414.4(CCDC88C):c.767T>C (p.Leu256Pro)

Gene: CCDC88C (coiled-coil domain containing 88C; minus strand). Cytogenetic location: 14q32.11.
Variant type: single nucleotide variant.
Coding change: c.767T>C on transcript NM_001080414.4 (MANE Select); coding-DNA position 767, T replaced by C.
Protein change: p.Leu256Pro; replaces leucine 256 with proline.
Molecular consequence: missense variant.
Genome position (GRCh38, 1-based): chr14:91,339,320, A>G on the plus strand (T>C on the coding strand, the complement: CCDC88C is on the minus strand). VCF-style: chr14-91339320-A-G. GRCh37 (hg19) VCF-style: chr14-91805664-A-G.
Other names: short protein forms L256P.
Identifiers: ClinVar variation 2633118 (VCV002633118.1), dbSNP rs1893202386, ClinGen allele CA390612662.
Genomic context (GRCh38, chr14:91,339,320, plus strand): 5'-AAGCAGCCGGGGACTCACAGCTCCTGCCTGACGCGCCGCAGCCTGGCCTTGGTGTCGGCC[A>G]GCTCTACGGCCAGGTGCTGCTTGTCTTCGCTAGAGAGGCTGCTGGTGGGGCTGGGAGTGG-3'
Protein context (NP_001073883.2, residues 246-266): SEDKQHLAVE[Leu256Pro]ADTKARLRRV